The following is an entry in ClinVar:

NM_000128.4(F11):c.943G>A (p.Glu315Lys)

Gene: F11 (coagulation factor XI; plus strand). Cytogenetic location: 4q35.2.
Variant type: single nucleotide variant.
Coding change: c.943G>A on transcript NM_000128.4 (MANE Select); coding-DNA position 943, G replaced by A.
Protein change: p.Glu315Lys; replaces glutamic acid 315 with lysine.
Molecular consequence: missense variant.
Genome position (GRCh38, 1-based): chr4:186,280,300, G>A. VCF-style: chr4-186280300-G-A. GRCh37 (hg19) VCF-style: chr4-187201454-G-A.
Other names: short protein forms E315K.
Identifiers: ClinVar variation 68204 (VCV000068204.14), dbSNP rs281875257, ClinGen allele CA219162.

ClinVar aggregate classification (germline): Pathogenic/Likely pathogenic. Review status: criteria provided, multiple submitters, no conflicts (2 of 4 stars). 7 submissions from 7 submitters: Pathogenic (4); Likely pathogenic (2). 1 of the submissions does not count toward it. Last evaluated 2026-04-10.

Conditions:
F11-related disorders.
F11-related disorder. Also called: F11-related condition.
Plasma factor XI deficiency.
Hereditary factor XI deficiency disease. Also called: PLASMA THROMBOPLASTIN ANTECEDENT DEFICIENCY; PTA DEFICIENCY; ROSENTHAL SYNDROME; Congenital factor XI deficiency. Identifiers: Orphanet 329, MedGen C0015523, MeSH D005173, MONDO:0012897, OMIM 612416.

Allele frequency attached by ClinVar (database versions not stated): TOPMed 0.00004; gnomAD 0.00005 and 0.00006; ExAC 0.00002; gnomAD exomes 0.00002.
gnomAD v4.1: 43 of 1,613,990 alleles (0.0027%); highest among the groups gnomAD compares: Middle Eastern, 0.033%; no homozygotes.

Submissions (7):

PreventionGenetics, part of Exact Sciences
Classification: Pathogenic for F11-related condition. Last evaluated: 2026-04-10. Review status: criteria provided, single submitter. Criteria: ACMG Guidelines, 2015. Collection method: clinical testing. Allele origin: germline.
Comment: The F11 c.943G>A variant is predicted to result in the amino acid substitution p.Glu315Lys. This variant, also described as p.Glu297Lys using legacy nomenclature, has been reported in the heterozygous state in many individuals with partial Factor XVI deficiency (for example, see Quélin et al. 2005. PubMed ID: 16079124; Bicocchi et al. 2013. PubMed ID: 23305485; Table S1, de Mazancourt et al. 2023. PubMed ID: 37252892). This variant has also been reported, in the homozygous state or in the heterozygous state with a second F11 variant, in multiple individuals with severe autosomal recessive Factor XVI deficiency / Hemophilia C (Zucker et al. 2007. PubMed ID: 18024374; Bicocchi et al. 2013. PubMed ID: 23305485; Tiscia et al. 2017. PubMed ID: 29138690; Rimoldi et al. 2017. PubMed ID: 29178608). In vitro experimental studies in transfected BHK cells found that the p.Glu315Lys variant led to dramatically reduced factor XVI secretion (~4.5%) relative to controls (Zucker et al. 2007. PubMed ID: 18024374). This variant is reported in 0.0080% of alleles in individuals of African descent in gnomAD. This variant is interpreted as pathogenic.

Labcorp Genetics (formerly Invitae), Labcorp
Classification: Pathogenic. Last evaluated: 2025-10-26. Review status: criteria provided, single submitter. Criteria: Invitae Variant Classification Sherloc (09022015). Collection method: clinical testing. Allele origin: germline.
Comment: This sequence change replaces glutamic acid, which is acidic and polar, with lysine, which is basic and polar, at codon 315 of the F11 protein (p.Glu315Lys). This variant is present in population databases (rs281875257, gnomAD 0.008%). This missense change has been observed in individuals with autosomal recessive factor XI deficiency (PMID: 18024374, 23305485, 29138690, 29178608). This variant has been reported in individual(s) with autosomal dominant F11-related conditions (PMID: 16079124, 16607084, 20398070, 23305485, 28445521, 29178608, 31644447); however, the role of the variant in this condition is currently unclear. This variant is also known as E297K. ClinVar contains an entry for this variant (Variation ID: 68204). Invitae Evidence Modeling of protein sequence and biophysical properties (such as structural, functional, and spatial information, amino acid conservation, physicochemical variation, residue mobility, and thermodynamic stability) has been performed for this missense variant. However, the output from this modeling did not meet the statistical confidence thresholds required to predict the impact of this variant on F11 protein function. Experimental studies have shown that this missense change affects F11 function (PMID: 18024374). For these reasons, this variant has been classified as Pathogenic.

Natera, Inc.
Classification: Pathogenic for Plasma factor XI deficiency. Last evaluated: 2025-06-25. Review status: criteria provided, single submitter. Criteria: Natera Variant Classification Schema (03/2026). Collection method: clinical testing. Allele origin: germline.
Comment: The c.943G>A variant in F11 is a missense variant predicted to cause substitution of glutamic acid to lysine at amino acid 315. This variant is rare in the general population with a frequency below the threshold expected for the associated phenotype(s). This variant has been observed in one or more individuals affected with the associated recessive disease, as either homozygous or compound heterozygous with a second variant (PMID: 29178608, 29138690, 23305485). Functional studies show that this variant may disrupt protein function (PMID: 18024374). Multiple computational prediction algorithms suggest this variant is unlikely to affect gene or protein function. Given the available evidence, this variant is classified as Pathogenic.

Blueprint Genetics
Classification: Likely pathogenic for F11-related disorders. Last evaluated: 2024-01-31. Review status: criteria provided, single submitter. Criteria: ACMG Guidelines, 2015. Collection method: clinical testing. Allele origin: germline. Affected: yes. Observed: 2 variant alleles.

NIHR Bioresource Rare Diseases, University of Cambridge
Classification: Likely pathogenic for Hereditary factor XI deficiency disease. Last evaluated: 2019-02-01. Review status: criteria provided, single submitter. Criteria: ACMG Guidelines, 2015. Collection method: research. Allele origin: unknown. Affected: yes. Observed: 1 heterozygote. Study: ThromboGenomics.

Juno Genomics, Hangzhou Juno Genomics, Inc
Classification: Pathogenic for Hereditary factor XI deficiency disease. Review status: criteria provided, single submitter. Criteria: ACMG Guidelines, 2015. Collection method: clinical testing. Allele origin: germline.
Comment: Absent from controls (or at extremely low frequency if recessive) in Genome Aggregation Database.;For recessive disorders, detected in trans with a pathogenic variant.;The prevalence of the variant in affected individuals is significantly increased compared to the prevalence in controls.;Patient's phenotype or family history is highly specific for a disease with a single genetic etiology.

UniProtKB/Swiss-Prot
No classification provided. Review status: no classification provided. Collection method: not provided. Allele origin: not provided. Not counted in ClinVar's aggregate classification.

Literature cited by the submitters: PubMed 18024374 (cited by Labcorp Genetics (formerly Invitae), Labcorp and Natera, Inc.); PubMed 23305485 (cited by Labcorp Genetics (formerly Invitae), Labcorp and Natera, Inc.); PubMed 29138690 (cited by Labcorp Genetics (formerly Invitae), Labcorp and Natera, Inc.); PubMed 29178608 (cited by Labcorp Genetics (formerly Invitae), Labcorp and Natera, Inc.); PubMed 16079124 (cited by Labcorp Genetics (formerly Invitae), Labcorp); PubMed 16607084 (cited by Labcorp Genetics (formerly Invitae), Labcorp); PubMed 20398070 (cited by Labcorp Genetics (formerly Invitae), Labcorp); PubMed 28445521 (cited by Labcorp Genetics (formerly Invitae), Labcorp); PubMed 31644447 (cited by Labcorp Genetics (formerly Invitae), Labcorp); PubMed 31064749 (cited by NIHR Bioresource Rare Diseases, University of Cambridge).